The following is an entry in ClinVar:

NM_018410.5(HJURP):c.537G>A (p.Pro179=)

Gene: HJURP (Holliday junction recognition protein; minus strand). Cytogenetic location: 2q37.1.
Variant type: single nucleotide variant.
Coding change: c.537G>A on transcript NM_018410.5 (MANE Select); coding-DNA position 537, G replaced by A.
Protein change: p.Pro179=; no amino-acid change (proline 179 retained).
Molecular consequence: synonymous variant.
Genome position (GRCh38, 1-based): chr2:233,844,242, C>T on the plus strand (G>A on the coding strand, the complement: HJURP is on the minus strand). VCF-style: chr2-233844242-C-T. GRCh37 (hg19) VCF-style: chr2-234752888-C-T.
Other names: c.375G>A, p.Pro125= (NM_001282962.2); c.282G>A, p.Pro94= (NM_001282963.2).
Identifiers: ClinVar variation 2652028 (VCV002652028.24), dbSNP rs147631492, ClinGen allele CA2181298.
Genomic context (GRCh38, chr2:233,844,242, plus strand): 5'-TACAGTTTCTATGTCACACTCACCGGGGGCAGGCACGGCAGGTGAGGCCAGTGAAGGCAG[C>T]GGAGTCACACGTACATCCCTTCCAGCTCTGTTACCTGCACACTGAAATCAGAGCCAGTGG-3'
Protein context (NP_060880.3, residues 169-189): NRAGRDVRVT[Pro179=]LPSLASPAVP

ClinVar aggregate classification (germline): Likely benign (1 of 4 stars; one submission).

Allele frequency attached by ClinVar (database versions not stated): ESP Exome Variant Server 0.00261; 1000 Genomes Project 30x 0.00344; gnomAD 0.00352; 1000 Genomes Project 0.00359; TOPMed 0.00366.
gnomAD v4.1: 6,792 of 1,614,090 alleles (0.42%); highest among the groups gnomAD compares: South Asian, 0.62%; 32 homozygotes.

Submission:

CeGaT Center for Human Genetics Tuebingen
Classification: Likely benign. Last evaluated: 2022-06-01. Review status: criteria provided, single submitter. Criteria: CeGaT Center For Human Genetics Tuebingen Variant Classification Criteria Version 2. Collection method: clinical testing. Allele origin: germline. Affected: yes. Observed: 1 variant allele.
Comment: HJURP: BP4, BP7